The following is an entry in ClinVar:

NM_002470.4(MYH3):c.3751C>G (p.Arg1251Gly)

Gene: MYH3 (myosin heavy chain 3; minus strand). Cytogenetic location: 17p13.1.
Variant type: single nucleotide variant.
Coding change: c.3751C>G on transcript NM_002470.4 (MANE Select); coding-DNA position 3751, C replaced by G.
Protein change: p.Arg1251Gly; replaces arginine 1251 with glycine.
Molecular consequence: missense variant.
Genome position (GRCh38, 1-based): chr17:10,637,914, G>C on the plus strand (C>G on the coding strand, the complement: MYH3 is on the minus strand). VCF-style: chr17-10637914-G-C. GRCh37 (hg19) VCF-style: chr17-10541231-G-C.
Other names: short protein forms R1251G.
Identifiers: ClinVar variation 2797928 (VCV002797928.5), dbSNP rs1449708494, ClinGen allele CA398150049.

ClinVar aggregate classification (germline): Uncertain significance. Review status: criteria provided, multiple submitters, no conflicts (2 of 4 stars). 2 submissions from 2 submitters: Uncertain significance (2). Last evaluated 2026-03-05.

Allele frequency attached by ClinVar (database versions not stated): TOPMed 0.00002.
gnomAD v4.1: 7 of 1,613,912 alleles (0.00043%); highest among the groups gnomAD compares: Non-Finnish European, 0.00059%; no homozygotes.

Submissions (2):

Women's Health and Genetics/Laboratory Corporation of America, LabCorp
Classification: Uncertain significance. Last evaluated: 2026-03-05. Review status: criteria provided, single submitter. Criteria: LabCorp Variant Classification Summary - May 2015. Collection method: clinical testing. Allele origin: germline.
Comment: Variant summary: MYH3 c.3751C>G (p.Arg1251Gly) results in a non-conservative amino acid change in the encoded protein sequence. Algorithms developed to predict the effect of missense changes on protein structure and function all suggest that this variant is likely to be disruptive. The variant was absent in 251462 control chromosomes. The available data on variant occurrences in the general population are insufficient to allow any conclusion about variant significance. To our knowledge, no occurrence of c.3751C>G in individuals affected with MYH3-related conditions and no experimental evidence demonstrating its impact on protein function have been reported. ClinVar contains an entry for this variant (Variation ID: 2797928). Based on the evidence outlined above, the variant was classified as uncertain significance.

Labcorp Genetics (formerly Invitae), Labcorp
Classification: Uncertain significance. Last evaluated: 2024-02-20. Review status: criteria provided, single submitter. Criteria: Invitae Variant Classification Sherloc (09022015). Collection method: clinical testing. Allele origin: germline.
Comment: This sequence change replaces arginine, which is basic and polar, with glycine, which is neutral and non-polar, at codon 1251 of the MYH3 protein (p.Arg1251Gly). This variant is present in population databases (no rsID available, gnomAD 0.01%). This variant has not been reported in the literature in individuals affected with MYH3-related conditions. Advanced modeling of protein sequence and biophysical properties (such as structural, functional, and spatial information, amino acid conservation, physicochemical variation, residue mobility, and thermodynamic stability) performed at Invitae indicates that this missense variant is not expected to disrupt MYH3 protein function with a negative predictive value of 95%. In summary, the available evidence is currently insufficient to determine the role of this variant in disease. Therefore, it has been classified as a Variant of Uncertain Significance.